The following is an entry in ClinVar:

NM_001048174.2(MUTYH):c.1109T>C (p.Leu370Pro)

Gene: MUTYH (mutY DNA glycosylase; minus strand). Cytogenetic location: 1p34.1.
Variant type: single nucleotide variant.
Coding change: c.1109T>C on transcript NM_001048174.2 (MANE Select); coding-DNA position 1109, T replaced by C.
Protein change: p.Leu370Pro; replaces leucine 370 with proline.
Molecular consequence: missense variant. On other transcripts: non-coding transcript variant (7).
Genome position (GRCh38, 1-based): chr1:45,331,550, A>G on the plus strand (T>C on the coding strand, the complement: MUTYH is on the minus strand). VCF-style: chr1-45331550-A-G. GRCh37 (hg19) VCF-style: chr1-45797222-A-G.
Other names: c.1193T>C, p.Leu398Pro (NM_001128425.2); c.1154T>C, p.Leu385Pro (NM_001293190.2); c.1142T>C, p.Leu381Pro (NM_001293191.2, NM_001407069.1, NM_001407077.1); c.833T>C, p.Leu278Pro (NM_001293192.2, NM_001293196.2, NM_001407091.1); c.1109T>C, p.Leu370Pro (NM_001293195.2, NM_001407088.1, NM_001407089.1 and 6 more transcripts); c.764T>C, p.Leu255Pro (NM_001350650.2, NM_001350651.2, NM_001407082.1); c.1151T>C, p.Leu384Pro (NM_001407083.1, NM_001407085.1); c.1112T>C, p.Leu371Pro (NM_001407086.1, NM_001048172.2, NM_001407071.1 and 1 more transcripts); and 5 more; short protein forms L342P, L370P, L395P, L398P, L357P, L381P, L255P, L278P.
Identifiers: ClinVar variation 4056208 (VCV004056208.2).
Genomic context (GRCh38, chr1:45,331,550, plus strand): 5'-TTGCGCTGAAGCTGCTCTGAGGGCTCCCAGGTCACGGACGGGAACTCCCACAGTCCTGCC[A>G]GCAGACCTGAGAGGGAGGGCAGCCAGGCAGGGGTCAGGCCTCAGCTGCCGATTCCCTCCA-3'
Protein context (NP_001041639.1, residues 360-380): LLVQRPNSGL[Leu370Pro]AGLWEFPSVT

ClinVar aggregate classification (germline): Conflicting classifications of pathogenicity. Review status: criteria provided, conflicting classifications (1 of 4 stars). 2 submissions from 2 submitters: Likely pathogenic (1); Uncertain significance (1). Last evaluated 2025-08-15.

Conditions:
Familial adenomatous polyposis 2. Also called: FAP type 2; MUTYH-related attenuated familial adenomatous polyposis; MUTYH-associated polyposis; COLORECTAL ADENOMATOUS POLYPOSIS, AUTOSOMAL RECESSIVE; ADENOMAS, MULTIPLE COLORECTAL, AUTOSOMAL RECESSIVE; MUTYH Polyposis. Identifiers: Orphanet 220460, Orphanet 247798, MedGen C3272841, MONDO:0012041, OMIM 608456.
Hereditary cancer-predisposing syndrome. Also called: Hereditary neoplastic syndrome; Neoplastic Syndromes, Hereditary; Hereditary Cancer Syndrome; Tumor predisposition. Identifiers: Orphanet 140162, MedGen C0027672, MeSH D009386, MONDO:0015356.

Submissions (2):

Ambry Genetics
Classification: Likely pathogenic for Hereditary cancer-predisposing syndrome. Last evaluated: 2025-08-15. Review status: criteria provided, single submitter. Criteria: Ambry Variant Classification Scheme 2023. Collection method: clinical testing. Allele origin: germline.
Comment: The p.L398P variant (also known as c.1193T>C), located in coding exon 13 of the MUTYH gene, results from a T to C substitution at nucleotide position 1193. The leucine at codon 398 is replaced by proline, an amino acid with similar properties. In a massively parallel cell-based functional assay testing 7,8-dihydro-8-oxoguanine:adenine (8OG:A) repair activity, a byproduct of oxidative damage, this variant was reported to be non-functional (Hemker SL et al. Am J Hum Genet. Published online July 29, 2025. DOI: 10.1016/j.ajhg.2025.07.005). This amino acid position is highly conserved in available vertebrate species. In addition, this alteration is predicted to be deleterious by in silico analysis. This variant is considered to be rare based on population cohorts in the Genome Aggregation Database (gnomAD). Based on the majority of available evidence to date, this variant is likely to be pathogenic.

Molecular Pathology, Peter Maccallum Cancer Centre
Classification: Uncertain significance for Familial adenomatous polyposis 2. Last evaluated: 2025-02-03. Review status: criteria provided, single submitter. Criteria: ACMG Guidelines, 2015. Collection method: clinical testing. Allele origin: germline. Inheritance: Autosomal recessive inheritance.

Literature cited by the submitters: PubMed 40738107 (cited by Ambry Genetics).